The following is an entry in ClinVar:

ClinVar aggregate classification (germline): Uncertain significance (1 of 4 stars; one submission).

Conditions:
Epileptic encephalopathy. Identifiers: MedGen C0543888, HP:0200134.

Submission:

Labcorp Genetics (formerly Invitae), Labcorp
Classification: Uncertain significance for Epileptic encephalopathy. Last evaluated: 2025-07-23. Review status: criteria provided, single submitter. Criteria: Invitae Variant Classification Sherloc (09022015). Collection method: clinical testing. Allele origin: germline.
Comment: This sequence change replaces threonine, which is neutral and polar, with serine, which is neutral and polar, at codon 1641 of the FASN protein (p.Thr1641Ser). This variant is not present in population databases (gnomAD no frequency). This variant has not been reported in the literature in individuals affected with FASN-related conditions. An algorithm developed to predict the effect of missense changes on protein structure and function (PolyPhen-2) suggests that this variant is likely to be tolerated. In summary, the available evidence is currently insufficient to determine the role of this variant in disease. Therefore, it has been classified as a Variant of Uncertain Significance.

NM_004104.5(FASN):c.4921A>T (p.Thr1641Ser)

Gene: FASN (fatty acid synthase; minus strand). Cytogenetic location: 17q25.3.
Variant type: single nucleotide variant.
Coding change: c.4921A>T on transcript NM_004104.5 (MANE Select); coding-DNA position 4921, A replaced by T.
Protein change: p.Thr1641Ser; replaces threonine 1641 with serine.
Molecular consequence: missense variant.
Genome position (GRCh38, 1-based): chr17:82,084,152, T>A on the plus strand (A>T on the coding strand, the complement: FASN is on the minus strand). VCF-style: chr17-82084152-T-A. GRCh37 (hg19) VCF-style: chr17-80042028-T-A.
Other names: short protein forms T1641S.
Identifiers: ClinVar variation 4703849 (VCV004703849.1).
Genomic context (GRCh38, chr17:82,084,152, plus strand): 5'-CCACCAGCGCGTAGTAGGCCGTGCTGTAGACGACAGGCACCGAGGCCGCCTCCTCCAGCG[T>A]CCTGGGGATGCAGCAGGTGGGTCAGCACAGGCCTGGCCGCCATCCACGTGGGGCCCAGGC-3'
Protein context (NP_004095.4, residues 1631-1651): DFLWDVPSNW[Thr1641Ser]LEEAASVPVV